The following is an entry in ClinVar:

ClinVar aggregate classification (germline): Uncertain significance (1 of 4 stars; one submission).

Submission:

Labcorp Genetics (formerly Invitae), Labcorp
Classification: Uncertain significance. Last evaluated: 2024-01-16. Review status: criteria provided, single submitter. Criteria: Invitae Variant Classification Sherloc (09022015). Collection method: clinical testing. Allele origin: germline.
Comment: This sequence change creates a premature translational stop signal (p.Pro191Leufs*45) in the ASB10 gene. It is expected to result in an absent or disrupted protein product. However, the current clinical and genetic evidence is not sufficient to establish whether loss-of-function variants in ASB10 cause disease. The frequency data for this variant in the population databases is considered unreliable, as metrics indicate poor data quality at this position in the gnomAD database. This variant has not been reported in the literature in individuals affected with ASB10-related conditions. In summary, the available evidence is currently insufficient to determine the role of this variant in disease. Therefore, it has been classified as a Variant of Uncertain Significance.

NM_001142459.2(ASB10):c.570del (p.Pro191fs)

Gene: ASB10 (ankyrin repeat and SOCS box containing 10; minus strand). Cytogenetic location: 7q36.1.
Variant type: Deletion.
Coding change: c.570del on transcript NM_001142459.2 (MANE Select); coding-DNA position 570, one base deleted (G; older notation c.570delG).
Protein change: p.Pro191fs; shifts the reading frame from proline 191.
Molecular consequence: frameshift variant.
Genome position (GRCh38, 1-based): chr7:151,186,406, C deleted on the plus strand (G on the coding strand, the reverse complement: ASB10 is on the minus strand); the first of 5 consecutive C bases (chr7:151,186,406-151,186,410); deleting any one gives the same sequence. VCF-style (leftmost placement, unchanged base first): chr7-151186405-GC-G. GRCh37 (hg19) VCF-style: chr7-150883492-GC-G.
Other names: c.570del, p.Pro191fs (NM_001142460.1); c.525del, p.Pro176fs (NM_080871.4); short protein forms P176fs, P191fs.
Identifiers: ClinVar variation 2884295 (VCV002884295.2), dbSNP rs754054996, ClinGen allele CA4573854.